The following is an entry in ClinVar:

NM_006129.5(BMP1):c.1838C>T (p.Pro613Leu)

Gene: BMP1 (bone morphogenetic protein 1; plus strand). Cytogenetic location: 8p21.3.
Variant type: single nucleotide variant.
Coding change: c.1838C>T on transcript NM_006129.5 (MANE Select); coding-DNA position 1838, C replaced by T.
Protein change: p.Pro613Leu; replaces proline 613 with leucine.
Molecular consequence: missense variant. On other transcripts: non-coding transcript variant (2).
Genome position (GRCh38, 1-based): chr8:22,196,752, C>T. VCF-style: chr8-22196752-C-T. GRCh37 (hg19) VCF-style: chr8-22054265-C-T.
Other names: c.1838C>T, p.Pro613Leu (NM_001199.4); short protein forms P613L.
Identifiers: ClinVar variation 2191888 (VCV002191888.1), dbSNP rs374904129, ClinGen allele CA4664867.

ClinVar aggregate classification (germline): Uncertain significance (1 of 4 stars; one submission).

Allele frequency attached by ClinVar (database versions not stated): ExAC 0.00001.
gnomAD v4.1: 23 of 1,614,122 alleles (0.0014%); highest among the groups gnomAD compares: Middle Eastern, 0.082%; no homozygotes.

Submission:

Labcorp Genetics (formerly Invitae), Labcorp
Classification: Uncertain significance. Last evaluated: 2022-05-16. Review status: criteria provided, single submitter. Criteria: Invitae Variant Classification Sherloc (09022015). Collection method: clinical testing. Allele origin: germline.
Comment: This sequence change replaces proline, which is neutral and non-polar, with leucine, which is neutral and non-polar, at codon 613 of the BMP1 protein (p.Pro613Leu). This variant is present in population databases (rs374904129, gnomAD 0.003%). This variant has not been reported in the literature in individuals affected with BMP1-related conditions. Algorithms developed to predict the effect of missense changes on protein structure and function are either unavailable or do not agree on the potential impact of this missense change (SIFT: "Deleterious"; PolyPhen-2: "Benign"; Align-GVGD: "Class C65"). In summary, the available evidence is currently insufficient to determine the role of this variant in disease. Therefore, it has been classified as a Variant of Uncertain Significance.